The following is an entry in ClinVar:

NM_000059.4(BRCA2):c.6267_6270dup (p.Ser2091delinsAlaTer)

Gene: BRCA2 (BRCA2 DNA repair associated; plus strand). Cytogenetic location: 13q13.1.
Variant type: Duplication.
Coding change: c.6267_6270dup on transcript NM_000059.4 (MANE Select); coding-DNA positions 6267 to 6270, 4 bases duplicated (GCAT; older notation c.6267_6270dupGCAT).
Protein change: p.Ser2091delinsAlaTer.
Molecular consequence: nonsense.
Genome position (GRCh38, 1-based): chr13:32,340,622-32,340,625, GCAT duplicated. VCF-style (leftmost placement, unchanged base first): chr13-32340621-A-AGCAT. GRCh37 (hg19) VCF-style: chr13-32914758-A-AGCAT.
Other names: c.6267_6270dupGCAT (NM_000059.3).
Identifiers: ClinVar variation 182318 (VCV000182318.3), dbSNP rs730881611, ClinGen allele CA023803.

ClinVar aggregate classification (germline): Pathogenic. Review status: reviewed by expert panel (3 of 4 stars). 2 submissions from 2 submitters: Pathogenic (1). 1 of the submissions does not count toward it. Last evaluated 2016-09-08.

Conditions:
Breast-ovarian cancer, familial, susceptibility to, 2 (BROVCA2). Also called: BRCA2 Hereditary Breast and Ovarian Cancer. Identifiers: Orphanet 145, MedGen C2675520, MONDO:0012933, OMIM 612555. Disease mechanism: loss of function.
Familial cancer of breast. Also called: BREAST CANCER, FAMILIAL; hereditary breast carcinoma; Hereditary breast cancer. Identifiers: Orphanet 227535, MedGen C0346153, MONDO:0016419, OMIM 114480. Disease mechanism: loss of function.

Submissions (2):

Evidence-based Network for the Interpretation of Germline Mutant Alleles (ENIGMA)
Classification: Pathogenic for Breast-ovarian cancer, familial, susceptibility to, 2. Last evaluated: 2016-09-08. Review status: reviewed by expert panel. Criteria: ENIGMA BRCA1/2 Classification Criteria (2015). Collection method: curation. Allele origin: germline.
Comment: Variant allele predicted to encode a truncated non-functional protein.

GeneDx
Classification: Pathogenic for Familial cancer of breast. Last evaluated: 2014-01-24. Review status: criteria provided, single submitter. Criteria: GeneDx Variant Classification (06012015). Collection method: clinical testing. Allele origin: germline. Affected: yes. Not counted in ClinVar's aggregate classification.
Comment: This variant is denoted BRCA2 c.6270_6271insGCAT (aka c.6267_6270dupGCAT) at the cDNA level and p.Ser2091AlafsX2 (S2091AfsX2) at the protein level. The normal sequence, with the bases that are duplicated in brackets, is CTGA{dupGCAT}AGTC. The duplication causes a frameshift, which changes a Serine to an Alanine at codon 2091 in exon 11, and creates a premature stop codon at position 2 of the new reading frame. This mutation is predicted to cause loss of normal protein function through either protein truncation or nonsense-mediated mRNA decay. Although this mutation has not to our knowledge been reported previously, it is considered pathogenic. and is indicative of Hereditary Breast and Ovarian Cancer (HBOC) syndrome, an autosomal dominant condition that predisposes to breast and ovarian cancer as well as other cancers. The predominant BRCA2-related cancer risks for women who have not been diagnosed with cancer have been estimated as 41% - 84% lifetime risk for breast cancer and 11% - 27% lifetime risk for ovarian cancer (Ford 1998, Risch 2006). BRCA2 mutations have also been reported in women with fallopian tube carcinoma, primary peritoneal carcinoma, and uterine serous carcinoma (Levine 2003, Biron-Shental 2006). Women with BRCA1/2 mutations also have an increased risk for contralateral breast cancer. Women with BRCA mutations whose first cancer was diagnosed under age 40 have a 21-31% risk to develop a second breast cancer within 10 years and a 63% risk to develop a second breast cancer within 25 years. Women with BRCA mutations whose first cancer was diagnosed between ages 40 and 50 have an 11-13% risk to develop a second breast cancer within 10 years and a 44-49% risk within 25 years. Women with BRCA mutations whose first cancer was diagnosed after age 50 have an 8% risk to develop a second breast cancer within 10 years and a 20% risk within 25 years (Graeser 2009). Other cancer risks associated with a BRCA2 mutation include up to a 7% risk for pancreatic cancer (Ozcelik 1997, The Breast Cancer Linkage Consortium 1999), up to a 34% risk for prostate cancer in male carriers (Thompson 2001), and up to a 7% risk for male breast cancer (Liede 2004). The variant is found in BRCA1-BRCA2 panel(s).